The following is an entry in ClinVar:

NM_006918.5(SC5D):c.164A>G (p.Tyr55Cys)

Gene: SC5D (sterol-C5-desaturase; plus strand). Cytogenetic location: 11q24.1.
Variant type: single nucleotide variant.
Coding change: c.164A>G on transcript NM_006918.5 (MANE Select); coding-DNA position 164, A replaced by G.
Protein change: p.Tyr55Cys; replaces tyrosine 55 with cysteine.
Molecular consequence: missense variant.
Genome position (GRCh38, 1-based): chr11:121,303,539, A>G. VCF-style: chr11-121303539-A-G. GRCh37 (hg19) VCF-style: chr11-121174248-A-G.
Other names: c.164A>G, p.Tyr55Cys (NM_001024956.3); short protein forms Y55C.
Identifiers: ClinVar variation 1364124 (VCV001364124.7), dbSNP rs778919181, ClinGen allele CA6328040.
Genomic context (GRCh38, chr11:121,303,539, plus strand): 5'-TGATTGTAACAAATGTTGGTGCTTACATCCTTTATTTCTTCTGTGCAACACTGAGCTATT[A>G]TTTTGTCTTCGATCATGCATTAATGAAACATCCACAATTTTTAAAGGTAAGAAATGTTTT-3'
Protein context (NP_008849.2, residues 45-65): LYFFCATLSY[Tyr55Cys]FVFDHALMKH

ClinVar aggregate classification (germline): Uncertain significance. Review status: criteria provided, multiple submitters, no conflicts (2 of 4 stars). 2 submissions from 2 submitters: Uncertain significance (2). Last evaluated 2024-07-29.

Allele frequency attached by ClinVar (database versions not stated): gnomAD exomes 0.00005 and 0.00010; TOPMed 0.00005; ExAC 0.00007; gnomAD 0.00007.

Submissions (2):

GeneDx
Classification: Uncertain significance. Last evaluated: 2024-07-29. Review status: criteria provided, single submitter. Criteria: GeneDx Variant Classification Process June 2021. Collection method: clinical testing. Allele origin: germline. Affected: yes.
Comment: In silico analysis supports that this missense variant has a deleterious effect on protein structure/function; Has not been previously published as pathogenic or benign to our knowledge

Labcorp Genetics (formerly Invitae), Labcorp
Classification: Uncertain significance. Last evaluated: 2022-06-27. Review status: criteria provided, single submitter. Criteria: Invitae Variant Classification Sherloc (09022015). Collection method: clinical testing. Allele origin: germline.
Comment: This sequence change replaces tyrosine, which is neutral and polar, with cysteine, which is neutral and slightly polar, at codon 55 of the SC5D protein (p.Tyr55Cys). This variant is present in population databases (rs778919181, gnomAD 0.1%). This variant has not been reported in the literature in individuals affected with SC5D-related conditions. Algorithms developed to predict the effect of missense changes on protein structure and function are either unavailable or do not agree on the potential impact of this missense change (SIFT: "Deleterious"; PolyPhen-2: "Benign"; Align-GVGD: "Class C35"). In summary, the available evidence is currently insufficient to determine the role of this variant in disease. Therefore, it has been classified as a Variant of Uncertain Significance.